The following is an entry in ClinVar:

ClinVar aggregate classification (germline): Uncertain significance (1 of 4 stars; one submission).

Submission:

Labcorp Genetics (formerly Invitae), Labcorp
Classification: Uncertain significance. Last evaluated: 2022-02-20. Review status: criteria provided, single submitter. Criteria: Invitae Variant Classification Sherloc (09022015). Collection method: clinical testing. Allele origin: germline.
Comment: This sequence change replaces aspartic acid, which is acidic and polar, with tyrosine, which is neutral and polar, at codon 172 of the SCO2 protein (p.Asp172Tyr). This variant is not present in population databases (gnomAD no frequency). This variant has not been reported in the literature in individuals affected with SCO2-related conditions. Algorithms developed to predict the effect of missense changes on protein structure and function (SIFT, PolyPhen-2, Align-GVGD) all suggest that this variant is likely to be disruptive. In summary, the available evidence is currently insufficient to determine the role of this variant in disease. Therefore, it has been classified as a Variant of Uncertain Significance.

NM_005138.3(SCO2):c.514G>T (p.Asp172Tyr)

Genes: NCAPH2 (non-SMC condensin II complex subunit H2; plus strand), SCO2 (synthesis of cytochrome C oxidase 2; minus strand). Cytogenetic location: 22q13.33.
Variant type: single nucleotide variant.
Coding change: c.514G>T on transcript NM_005138.3 (MANE Select); coding-DNA position 514, G replaced by T.
Protein change: p.Asp172Tyr; replaces aspartic acid 172 with tyrosine.
Molecular consequence: missense variant. On other transcripts: 3 prime UTR variant (2).
Genome position (GRCh38, 1-based): chr22:50,523,898, C>A on the plus strand (G>T on the coding strand, the complement: SCO2 is on the minus strand). VCF-style: chr22-50523898-C-A. GRCh37 (hg19) VCF-style: chr22-50962327-C-A.
Other names: c.*523C>A (NM_001185011.2, NM_152299.4); c.514G>T, p.Asp172Tyr (NM_001169109.2, NM_001169110.1, NM_001169111.2); short protein forms D172Y.
Identifiers: ClinVar variation 2099976 (VCV002099976.1), dbSNP rs2069201879, ClinGen allele CA412192460.